The following is an entry in ClinVar:

NM_177438.3(DICER1):c.4993G>A (p.Gly1665Arg)

Gene: DICER1 (dicer 1, ribonuclease III; minus strand). Cytogenetic location: 14q32.13.
Variant type: single nucleotide variant.
Coding change: c.4993G>A on transcript NM_177438.3 (MANE Select); coding-DNA position 4993, G replaced by A.
Protein change: p.Gly1665Arg; replaces glycine 1665 with arginine.
Molecular consequence: missense variant.
Genome position (GRCh38, 1-based): chr14:95,095,927, C>T on the plus strand (G>A on the coding strand, the complement: DICER1 is on the minus strand). VCF-style: chr14-95095927-C-T. GRCh37 (hg19) VCF-style: chr14-95562264-C-T.
Other names: c.4993G>A, p.Gly1665Arg (NM_001195573.1, NM_001271282.3, NM_001291628.2 and 1 more transcripts); short protein forms G1665R.
Identifiers: ClinVar variation 543578 (VCV000543578.10), dbSNP rs1555367528, ClinGen allele CA390866150.

ClinVar aggregate classification (germline): Uncertain significance (1 of 4 stars; one submission).

Conditions:
DICER1-related tumor predisposition. Also called: DICER1-related pleuropulmonary blastoma cancer predisposition syndrome; DICER1 syndrome. Identifiers: Orphanet 284343, MedGen C3839822, MONDO:0100216.

Submission:

Labcorp Genetics (formerly Invitae), Labcorp
Classification: Uncertain significance for DICER1-related tumor predisposition. Last evaluated: 2020-07-21. Review status: criteria provided, single submitter. Criteria: Invitae Variant Classification Sherloc (09022015). Collection method: clinical testing. Allele origin: germline.
Comment: In summary, the available evidence is currently insufficient to determine the role of this variant in disease. Therefore, it has been classified as a Variant of Uncertain Significance. Algorithms developed to predict the effect of missense changes on protein structure and function do not agree on the potential impact of this missense change (SIFT: "Tolerated"; PolyPhen-2: "Probably Damaging"; Align-GVGD: "Class C0"). This variant has not been reported in the literature in individuals with DICER1-related disease. This variant is not present in population databases (ExAC no frequency). This sequence change replaces glycine with arginine at codon 1665 of the DICER1 protein (p.Gly1665Arg). The glycine residue is highly conserved and there is a moderate physicochemical difference between glycine and arginine.